The following is an entry in ClinVar:

ClinVar aggregate classification (germline): Uncertain significance. Review status: criteria provided, multiple submitters, no conflicts (2 of 4 stars). 2 submissions from 2 submitters: Uncertain significance (2). Last evaluated 2025-09-25.

Conditions:
Charcot-Marie-Tooth disease type 2. Also called: Charcot-Marie-Tooth type 2. Identifiers: Orphanet 64746, MedGen C0270914, MONDO:0018993.

Allele frequency attached by ClinVar (database versions not stated): gnomAD 0.00001; TOPMed 0.00001; ExAC 0.00002; gnomAD exomes 0.00003.

Submissions (2):

Labcorp Genetics (formerly Invitae), Labcorp
Classification: Uncertain significance for Charcot-Marie-Tooth disease type 2. Last evaluated: 2025-09-25. Review status: criteria provided, single submitter. Criteria: Invitae Variant Classification Sherloc (09022015). Collection method: clinical testing. Allele origin: germline.
Comment: This sequence change replaces arginine, which is basic and polar, with glutamine, which is neutral and polar, at codon 138 of the BSCL2 protein (p.Arg138Gln). This variant is present in population databases (rs771534001, gnomAD 0.02%). This missense change has been observed in individual(s) with clinical features of BSCL2-related conditions (internal data). ClinVar contains an entry for this variant (Variation ID: 424979). Invitae Evidence Modeling of protein sequence and biophysical properties (such as structural, functional, and spatial information, amino acid conservation, physicochemical variation, residue mobility, and thermodynamic stability) indicates that this missense variant is not expected to disrupt BSCL2 protein function with a negative predictive value of 80%. In summary, the available evidence is currently insufficient to determine the role of this variant in disease. Therefore, it has been classified as a Variant of Uncertain Significance.

CeGaT Center for Human Genetics Tuebingen
Classification: Uncertain significance. Last evaluated: 2017-01-31. Review status: criteria provided, single submitter. Criteria: Praxis fuer Humangenetik Tuebingen - Variant Classification Criteria. Collection method: clinical testing. Allele origin: germline. Affected: yes. Observed: 2 variant alleles.

NM_001122955.4(BSCL2):c.605G>A (p.Arg202Gln)

Genes: BSCL2 (BSCL2 lipid droplet biogenesis associated, seipin; minus strand), HNRNPUL2-BSCL2 (HNRNPUL2-BSCL2 readthrough (NMD candidate); minus strand). Cytogenetic location: 11q12.3.
Variant type: single nucleotide variant.
Coding change: c.605G>A on transcript NM_001122955.4 (MANE Select); coding-DNA position 605, G replaced by A.
Protein change: p.Arg202Gln; replaces arginine 202 with glutamine.
Molecular consequence: missense variant. On other transcripts: non-coding transcript variant (1).
Genome position (GRCh38, 1-based): chr11:62,694,593, C>T on the plus strand (G>A on the coding strand, the complement: BSCL2 is on the minus strand). VCF-style: chr11-62694593-C-T. GRCh37 (hg19) VCF-style: chr11-62462065-C-T.
Other names: c.413G>A, p.Arg138Gln (NM_001130702.2, NM_032667.6); c.605G>A, p.Arg202Gln (NM_001386027.1, NM_001386028.1); short protein forms R138Q, R202Q.
Identifiers: ClinVar variation 424979 (VCV000424979.14), dbSNP rs771534001, ClinGen allele CA6053525.